The following is an entry in ClinVar:

NM_001277115.2(DNAH11):c.4094A>C (p.Lys1365Thr)

Gene: DNAH11 (dynein axonemal heavy chain 11; plus strand). Cytogenetic location: 7p15.3.
Variant type: single nucleotide variant.
Coding change: c.4094A>C on transcript NM_001277115.2 (MANE Select); coding-DNA position 4094, A replaced by C.
Protein change: p.Lys1365Thr; replaces lysine 1365 with threonine.
Molecular consequence: missense variant.
Genome position (GRCh38, 1-based): chr7:21,616,291, A>C. VCF-style: chr7-21616291-A-C. GRCh37 (hg19) VCF-style: chr7-21655909-A-C.
Other names: short protein forms K1365T.
Identifiers: ClinVar variation 853436 (VCV000853436.1), dbSNP rs1785780743, ClinGen allele CA366951560.
Genomic context (GRCh38, chr7:21,616,291, plus strand): 5'-AAACCCAGTGGAGACAGATTCATGTGGAACAGATGGATGTAGAACTCAGAAGGTTTGCCA[A>C]GGCGAGTTCCATAACTGTCTATTACAACAATTTATCTTTCTCAGCACCACCTCCTTCCAT-3'
Protein context (NP_001264044.1, residues 1355-1375): QMDVELRRFA[Lys1365Thr]EIWSLNKEVR

ClinVar aggregate classification (germline): Uncertain significance (1 of 4 stars; one submission).

Conditions:
Primary ciliary dyskinesia. Also called: Ciliary dyskinesia. Identifiers: Orphanet 244, MedGen C0008780, MONDO:0016575, HP:0012265.

Submission:

Labcorp Genetics (formerly Invitae), Labcorp
Classification: Uncertain significance for Primary ciliary dyskinesia. Last evaluated: 2019-12-18. Review status: criteria provided, single submitter. Criteria: Invitae Variant Classification Sherloc (09022015). Collection method: clinical testing. Allele origin: germline.
Comment: This sequence change replaces lysine with threonine at codon 1365 of the DNAH11 protein (p.Lys1365Thr). The lysine residue is moderately conserved and there is a moderate physicochemical difference between lysine and threonine. This variant is not present in population databases (ExAC no frequency). This variant has not been reported in the literature in individuals with DNAH11-related conditions. Algorithms developed to predict the effect of missense changes on protein structure and function are either unavailable or do not agree on the potential impact of this missense change (SIFT: "Deleterious"; PolyPhen-2: "Possibly Damaging"; Align-GVGD: "Class C0"). In summary, the available evidence is currently insufficient to determine the role of this variant in disease. Therefore, it has been classified as a Variant of Uncertain Significance.